The following is an entry in ClinVar:

NM_000051.4(ATM):c.4236+1G>A

Gene: ATM (ATM serine/threonine kinase; plus strand). Cytogenetic location: 11q22.3.
Variant type: single nucleotide variant.
Coding change: c.4236+1G>A on transcript NM_000051.4 (MANE Select); the canonical splice donor site of the intron after coding-DNA position 4236, G replaced by A.
Molecular consequence: splice donor variant.
Genome position (GRCh38, 1-based): chr11:108,289,104, G>A. VCF-style: chr11-108289104-G-A. GRCh37 (hg19) VCF-style: chr11-108159831-G-A.
Other names: c.4236+1G>A (NM_001351834.2, NM_000051.3).
Identifiers: ClinVar variation 2033903 (VCV002033903.9), dbSNP rs876660674, ClinGen allele CA382530758.
Genomic context (GRCh38, chr11:108,289,104, plus strand): 5'-ATCAGCAATTGTCATAAAACCAAGTTAAAAAGCATTTTAGAAATTCTTTCCAAAAGCCCT[G>A]TAAGTATACATGATGAGTTTAATAATAGAACATTCCTTCTTTTTTAGCTAAAAAAACTTT-3'

ClinVar aggregate classification (germline): Pathogenic/Likely pathogenic. Review status: criteria provided, multiple submitters, no conflicts (2 of 4 stars). 6 submissions from 6 submitters: Pathogenic (2); Likely pathogenic (4). Last evaluated 2026-03-31.

Conditions:
Ataxia-telangiectasia syndrome (AT). Also called: Cerebello-oculocutaneous telangiectasia; Immunodeficiency with ataxia telangiectasia; Ataxia-telangiectasia, complementation group D; AT, COMPLEMENTATION GROUP C; ATAXIA-TELANGIECTASIA, COMPLEMENTATION GROUP A; ATAXIA-TELANGIECTASIA, FRESNO VARIANT. Identifiers: Orphanet 100, MedGen C0004135, MONDO:0008840, OMIM 208900.
Familial cancer of breast. Also called: Hereditary breast cancer; hereditary breast carcinoma; BREAST CANCER, FAMILIAL. Identifiers: Orphanet 227535, MedGen C0346153, MONDO:0016419, OMIM 114480. Disease mechanism: loss of function.
Hereditary cancer-predisposing syndrome. Also called: Neoplastic Syndromes, Hereditary; Tumor predisposition; Hereditary Cancer Syndrome; Hereditary neoplastic syndrome. Identifiers: Orphanet 140162, MedGen C0027672, MeSH D009386, MONDO:0015356.

Allele frequency attached by ClinVar (database versions not stated): gnomAD exomes below 0.00001.

Submissions (6):

Ambry Genetics
Classification: Likely pathogenic for Hereditary cancer-predisposing syndrome. Last evaluated: 2026-03-31. Review status: criteria provided, single submitter. Criteria: Ambry Variant Classification Scheme 2023. Collection method: clinical testing. Allele origin: germline.
Comment: The c.4236+1G>A intronic variant results from a G to A substitution one nucleotide after coding exon 27 of the ATM gene. This variant is considered to be rare based on population cohorts in the Genome Aggregation Database (gnomAD). This nucleotide position is highly conserved in available vertebrate species. In silico splice site analysis predicts that this alteration will weaken the native splice donor site. RNA studies have demonstrated that this variant results in abnormal splicing in the set of samples tested (Ambry internal data). Alterations that disrupt the canonical splice site are expected to cause aberrant splicing, resulting in an abnormal protein or a transcript that is subject to nonsense-mediated mRNA decay. As such, this alteration is classified as likely pathogenic.

3billion
Classification: Pathogenic for Ataxia-telangiectasia syndrome. Last evaluated: 2024-07-23. Review status: criteria provided, single submitter. Criteria: ACMG Guidelines, 2015. Collection method: clinical testing. Allele origin: germline. Affected: yes.
Comment: The variant is observed at an extremely low frequency in the gnomAD v4.0.0 dataset (total allele frequency: <0.001%). Predicted Consequence/Location: Canonical splice site: predicted to alter splicing and result in a loss or disruption of normal protein function. Multiple pathogenic loss-of-function variants are reported downstream of the variant. In silico tools predict the variant to alter splicing and produce an abnormal transcript [SpliceAI: 0.91 (spliceogenicity >=0.2, non-spliceogenicity <0.1)]. The variant has been reported at least twice as pathogenic with clinical assertions and evidence for the classification (ClinVar ID: VCV000141182 /PMID: 8845835). Therefore, this variant is classified as Pathogenic according to the recommendation of ACMG/AMP guideline.

Department of Pathology and Laboratory Medicine, Sinai Health System
Classification: Pathogenic for Familial cancer of breast; Ataxia-telangiectasia syndrome. Last evaluated: 2024-07-02. Review status: criteria provided, single submitter. Criteria: ACMG Guidelines, 2015. Collection method: clinical testing. Allele origin: germline. Affected: no.

Baylor Genetics
Classification: Likely pathogenic for Familial cancer of breast. Last evaluated: 2024-01-09. Review status: criteria provided, single submitter. Criteria: ACMG Guidelines, 2015. Collection method: clinical testing. Allele origin: unknown.

Color Diagnostics, LLC DBA Color Health
Classification: Likely pathogenic for Hereditary cancer-predisposing syndrome. Last evaluated: 2023-05-31. Review status: criteria provided, single submitter. Criteria: ACMG Guidelines, 2015. Collection method: clinical testing. Allele origin: germline.
Comment: This variant causes a G to A nucleotide substitution at the +1 position of intron 28 of the ATM gene. Splice site prediction tools predict that this variant may have a significant impact on RNA splicing. RNA studies conducted using a minigene assay showed complete skipping of exon 28 (PMID: 35716007). This variant has not been identified in the general population by the Genome Aggregation Database (gnomAD). A different variant at the same poisition, c.4236+1G>T, was detected in an individual affected with ovarian cancer (PMID: 30322717). Loss of ATM function is a known mechanism of disease. Based on the available evidence, this variant is classified as Likely Pathogenic.

Labcorp Genetics (formerly Invitae), Labcorp
Classification: Likely pathogenic for Ataxia-telangiectasia syndrome. Last evaluated: 2022-10-03. Review status: criteria provided, single submitter. Criteria: Invitae Variant Classification Sherloc (09022015). Collection method: clinical testing. Allele origin: germline.
Comment: Disruption of this splice site has been observed in individual(s) with ovarian cancer (PMID: 30322717). This sequence change affects a donor splice site in intron 28 of the ATM gene. It is expected to disrupt RNA splicing. Variants that disrupt the donor or acceptor splice site typically lead to a loss of protein function (PMID: 16199547), and loss-of-function variants in ATM are known to be pathogenic (PMID: 23807571, 25614872). This variant is not present in population databases (gnomAD no frequency). Algorithms developed to predict the effect of sequence changes on RNA splicing suggest that this variant may disrupt the consensus splice site. In summary, the currently available evidence indicates that the variant is pathogenic, but additional data are needed to prove that conclusively. Therefore, this variant has been classified as Likely Pathogenic.

Literature cited by the submitters: PubMed 33471991 (cited by Department of Pathology and Laboratory Medicine, Sinai Health System); PubMed 30322717 (cited by 3 submitters); PubMed 35716007 (cited by Color Diagnostics, LLC DBA Color Health); PubMed 16199547 (cited by Labcorp Genetics (formerly Invitae), Labcorp); PubMed 23807571 (cited by Labcorp Genetics (formerly Invitae), Labcorp); PubMed 25614872 (cited by Labcorp Genetics (formerly Invitae), Labcorp).